The following is an entry in ClinVar:

ClinVar aggregate classification (germline): Uncertain significance (1 of 4 stars; one submission).

Conditions:
Proteosome-associated autoinflammatory syndrome. Also called: Proteasome-associated autoinflammatory syndrome. Identifiers: Orphanet 324977, MedGen C1850568, MONDO:0009726.

Submission:

Labcorp Genetics (formerly Invitae), Labcorp
Classification: Uncertain significance for Proteosome-associated autoinflammatory syndrome. Last evaluated: 2024-10-16. Review status: criteria provided, single submitter. Criteria: Invitae Variant Classification Sherloc (09022015). Collection method: clinical testing. Allele origin: germline.
Comment: This sequence change replaces glycine, which is neutral and non-polar, with arginine, which is basic and polar, at codon 243 of the PSMB8 protein (p.Gly243Arg). This variant is not present in population databases (gnomAD no frequency). This variant has not been reported in the literature in individuals affected with PSMB8-related conditions. ClinVar contains an entry for this variant (Variation ID: 1431256). Invitae Evidence Modeling of protein sequence and biophysical properties (such as structural, functional, and spatial information, amino acid conservation, physicochemical variation, residue mobility, and thermodynamic stability) indicates that this missense variant is expected to disrupt PSMB8 protein function with a positive predictive value of 80%. In summary, the available evidence is currently insufficient to determine the role of this variant in disease. Therefore, it has been classified as a Variant of Uncertain Significance.

NM_148919.4(PSMB8):c.727G>A (p.Gly243Arg)

Gene: PSMB8 (proteasome 20S subunit beta 8; minus strand). Cytogenetic location: 6p21.32.
Variant type: single nucleotide variant.
Coding change: c.727G>A on transcript NM_148919.4 (MANE Select); coding-DNA position 727, G replaced by A.
Protein change: p.Gly243Arg; replaces glycine 243 with arginine.
Molecular consequence: missense variant.
Genome position (GRCh38, 1-based): chr6:32,841,546, C>T on the plus strand (G>A on the coding strand, the complement: PSMB8 is on the minus strand). VCF-style: chr6-32841546-C-T. GRCh37 (hg19) VCF-style: chr6-32809323-C-T.
Other names: c.715G>A, p.Gly239Arg (NM_004159.5); short protein forms G239R, G243R.
Identifiers: ClinVar variation 1431256 (VCV001431256.6), dbSNP rs2127376068, ClinGen allele CA363588339.